The following is an entry in ClinVar:

NM_206933.4(USH2A):c.1106T>G (p.Val369Gly)

Gene: USH2A (usherin; minus strand). Cytogenetic location: 1q41.
Variant type: single nucleotide variant.
Coding change: c.1106T>G on transcript NM_206933.4 (MANE Select); coding-DNA position 1106, T replaced by G.
Protein change: p.Val369Gly; replaces valine 369 with glycine.
Molecular consequence: missense variant.
Genome position (GRCh38, 1-based): chr1:216,325,342, A>C on the plus strand (T>G on the coding strand, the complement: USH2A is on the minus strand). VCF-style: chr1-216325342-A-C. GRCh37 (hg19) VCF-style: chr1-216498684-A-C.
Other names: c.1106T>G, p.Val369Gly (NM_007123.6); short protein forms V369G.
Identifiers: ClinVar variation 2113512 (VCV002113512.4), dbSNP rs2527439727, ClinGen allele CA344912240.

ClinVar aggregate classification (germline): Uncertain significance (1 of 4 stars; one submission).

Submission:

Labcorp Genetics (formerly Invitae), Labcorp
Classification: Uncertain significance. Last evaluated: 2022-04-13. Review status: criteria provided, single submitter. Criteria: Invitae Variant Classification Sherloc (09022015). Collection method: clinical testing. Allele origin: germline.
Comment: In summary, the available evidence is currently insufficient to determine the role of this variant in disease. Therefore, it has been classified as a Variant of Uncertain Significance. Algorithms developed to predict the effect of missense changes on protein structure and function are either unavailable or do not agree on the potential impact of this missense change (SIFT: "Deleterious"; PolyPhen-2: "Probably Damaging"; Align-GVGD: "Class C0"). This variant has not been reported in the literature in individuals affected with USH2A-related conditions. This variant is not present in population databases (gnomAD no frequency). This sequence change replaces valine, which is neutral and non-polar, with glycine, which is neutral and non-polar, at codon 369 of the USH2A protein (p.Val369Gly).